The following is an entry in ClinVar:

ClinVar aggregate classification (germline): Benign. Review status: criteria provided, multiple submitters, no conflicts (2 of 4 stars). 2 submissions from 2 submitters: Benign (2). Last evaluated 2018-06-15.

Allele frequency attached by ClinVar (database versions not stated): TOPMed 0.96310; gnomAD 0.96513 and 0.96520; 1000 Genomes Project 30x 0.96533; 1000 Genomes Project 0.96645; gnomAD exomes 0.97214.
gnomAD v4.1: 1,132,571 of 1,166,410 alleles (97%); highest among the groups gnomAD compares: East Asian, 99%; 550,002 homozygotes.

Submissions (2):

GeneDx
Classification: Benign. Last evaluated: 2018-06-15. Review status: criteria provided, single submitter. Criteria: GeneDx Variant Classification (06012015). Collection method: clinical testing. Allele origin: germline. Affected: yes.
Comment: This variant is considered likely benign or benign based on one or more of the following criteria: it is a conservative change, it occurs at a poorly conserved position in the protein, it is predicted to be benign by multiple in silico algorithms, and/or has population frequency not consistent with disease.

Breakthrough Genomics
Classification: Benign. Review status: criteria provided, single submitter. Criteria: ACMG Guidelines, 2015. Collection method: not provided. Allele origin: germline. Inheritance: Autosomal dominant inheritance. Affected: yes.

NM_016599.5(MYOZ2):c.77-101T>C

Gene: MYOZ2 (myozenin 2; plus strand). Cytogenetic location: 4q26.
Variant type: single nucleotide variant.
Coding change: c.77-101T>C on transcript NM_016599.5 (MANE Select); 101 bases into the intron before coding-DNA position 77, T replaced by C.
Molecular consequence: intron variant.
Genome position (GRCh38, 1-based): chr4:119,150,771, T>C. VCF-style: chr4-119150771-T-C. GRCh37 (hg19) VCF-style: chr4-120071926-T-C.
Identifiers: ClinVar variation 672825 (VCV000672825.2), dbSNP rs6853794, ClinGen allele CA104970489.